The following is an entry in ClinVar:

NM_000350.3(ABCA4):c.4634+1G>C

Gene: ABCA4 (ATP binding cassette subfamily A member 4; minus strand). Cytogenetic location: 1p22.1.
Variant type: single nucleotide variant.
Coding change: c.4634+1G>C on transcript NM_000350.3 (MANE Select); the canonical splice donor site of the intron after coding-DNA position 4634, G replaced by C.
Molecular consequence: splice donor variant.
Genome position (GRCh38, 1-based): chr1:94,024,953, C>G on the plus strand (G>C on the coding strand, the complement: ABCA4 is on the minus strand). VCF-style: chr1-94024953-C-G. GRCh37 (hg19) VCF-style: chr1-94490509-C-G.
Identifiers: ClinVar variation 1508703 (VCV001508703.9), dbSNP rs767312869, ClinGen allele CA341284551.

ClinVar aggregate classification (germline): Pathogenic (1 of 4 stars; one submission).

Submissions (2):

Labcorp Genetics (formerly Invitae), Labcorp
Classification: Pathogenic. Last evaluated: 2025-01-15. Review status: criteria provided, single submitter. Criteria: Invitae Variant Classification Sherloc (09022015). Collection method: clinical testing. Allele origin: germline.
Comment: This sequence change affects a donor splice site in intron 31 of the ABCA4 gene. It is expected to disrupt RNA splicing. Variants that disrupt the donor or acceptor splice site typically lead to a loss of protein function (PMID: 16199547), and loss-of-function variants in ABCA4 are known to be pathogenic (PMID: 10958761, 24938718, 25312043, 26780318). This variant is not present in population databases (gnomAD no frequency). Disruption of this splice site has been observed in individuals with clinical features of ABCA4-related conditions (internal data). ClinVar contains an entry for this variant (Variation ID: 1508703). Algorithms developed to predict the effect of sequence changes on RNA splicing suggest that this variant may disrupt the consensus splice site. For these reasons, this variant has been classified as Pathogenic.

Dr. Peter K. Rogan Lab, Western University
No classification provided (evidence only). Condition: Squamous cell lung carcinoma. Review status: no classification provided. Collection method: in vitro. Allele origin: not applicable. Functional consequence: retained intron. Not counted in ClinVar's aggregate classification.

Literature cited by the submitters: PubMed 16199547 (cited by Labcorp Genetics (formerly Invitae), Labcorp); PubMed 10958761 (cited by Labcorp Genetics (formerly Invitae), Labcorp); PubMed 24938718 (cited by Labcorp Genetics (formerly Invitae), Labcorp); PubMed 25312043 (cited by Labcorp Genetics (formerly Invitae), Labcorp); PubMed 26780318 (cited by Labcorp Genetics (formerly Invitae), Labcorp).